The following is an entry in ClinVar:

ClinVar aggregate classification (germline): Conflicting classifications of pathogenicity. Review status: criteria provided, conflicting classifications (1 of 4 stars). 5 submissions from 5 submitters: Uncertain significance (1); Likely benign (2). 2 of the submissions do not count toward it. Last evaluated 2025-08-09.

Conditions:
Aculeiform cataract (CTRCT4). Also called: Fasciculiform cataract; Frosted cataract; Needle-shaped cataract. Identifiers: MedGen C1861832, HP:0010926.
CRYGD-related disorder. Also called: CRYGD-related condition.
High myopia. Also called: Severe Myopia. Identifiers: MedGen C0271183, HP:0011003.

Allele frequency attached by ClinVar (database versions not stated): gnomAD exomes 0.00031; 1000 Genomes Project 0.00040; 1000 Genomes Project 30x 0.00062; gnomAD 0.00089 and 0.00090; TOPMed 0.00092.

Submissions (5):

Labcorp Genetics (formerly Invitae), Labcorp
Classification: Likely benign for Aculeiform cataract. Last evaluated: 2025-08-09. Review status: criteria provided, single submitter. Criteria: Invitae Variant Classification Sherloc (09022015). Collection method: clinical testing. Allele origin: germline.

Blueprint Genetics
Classification: Likely benign. Last evaluated: 2024-10-11. Review status: criteria provided, single submitter. Criteria: ACMG Guidelines, 2015. Collection method: clinical testing. Allele origin: germline.

Mendelics
Classification: Uncertain significance. Last evaluated: 2022-05-04. Review status: criteria provided, single submitter. Criteria: Mendelics Assertion Criteria 2019. Collection method: clinical testing. Allele origin: germline.

PreventionGenetics, part of Exact Sciences
Classification: Uncertain significance for CRYGD-related condition. Last evaluated: 2024-07-18. Review status: no assertion criteria provided. Collection method: clinical testing. Allele origin: germline. Not counted in ClinVar's aggregate classification.
Comment: The CRYGD c.181G>T variant is predicted to result in the amino acid substitution p.Gly61Cys. This variant has been reported to segregate with disease in a large family with cataracts (Li et al. 2008. PubMed ID: 18334953). Functional studies indicate this variant may decrease the stability of the protein (Zhang et al. 2011. PubMed ID: 21655238). However, this variant is reported in 0.21% of alleles in individuals of African descent in gnomAD, which is likely too common to be a fully penetrant, autosomal dominant variant. Although we suspect that this variant may be benign, at this time, the clinical significance of this variant is uncertain due to the absence of conclusive functional and genetic evidence.

Institute of Human Genetics, Polish Academy of Sciences
Classification: Uncertain significance for Severe Myopia. Last evaluated: 2018-12-17. Review status: no assertion criteria provided. Collection method: research. Allele origin: unknown. Affected: yes. Not counted in ClinVar's aggregate classification.

NM_006891.4(CRYGD):c.181G>T (p.Gly61Cys)

Genes: CRYGD (crystallin gamma D; minus strand), LOC100507443 (uncharacterized LOC100507443; plus strand). Cytogenetic location: 2q33.3.
Variant type: single nucleotide variant.
Coding change: c.181G>T on transcript NM_006891.4 (MANE Select); coding-DNA position 181, G replaced by T.
Protein change: p.Gly61Cys; replaces glycine 61 with cysteine.
Molecular consequence: missense variant.
Genome position (GRCh38, 1-based): chr2:208,124,183, C>A on the plus strand (G>T on the coding strand, the complement: CRYGD is on the minus strand). VCF-style: chr2-208124183-C-A. GRCh37 (hg19) VCF-style: chr2-208988907-C-A.
Other names: short protein forms G61C.
Identifiers: ClinVar variation 623428 (VCV000623428.14), dbSNP rs150857132, ClinGen allele CA2077712.